The following is an entry in ClinVar:

ClinVar aggregate classification (germline): Uncertain significance (1 of 4 stars; one submission).

Submission:

Dasa
Classification: Uncertain significance. Last evaluated: 2025-08-07. Review status: criteria provided, single submitter. Criteria: DASA Assertion Criteria. Collection method: clinical testing. Allele origin: germline.
Comment: NM_017934.7(PHIP):c.1654-10C>A is a splice-region variant. This variant is absent from population databases. Computational prediction algorithms are consistent with a benign effect. The currently available literature and clinical evidence are not sufficient to establish a definitive association between this variant and the reported condition. Therefore, this variant is classified as a variant of uncertain significance.

NM_017934.7(PHIP):c.1654-10C>A

Gene: PHIP (PHIP subunit of CUL4-Ring ligase complex; minus strand). Cytogenetic location: 6q14.1.
Variant type: single nucleotide variant.
Coding change: c.1654-10C>A on transcript NM_017934.7 (MANE Select); 10 bases into the intron before coding-DNA position 1654, C replaced by A.
Molecular consequence: intron variant.
Genome position (GRCh38, 1-based): chr6:79,002,134, G>T on the plus strand (C>A on the coding strand, the complement: PHIP is on the minus strand). VCF-style: chr6-79002134-G-T. GRCh37 (hg19) VCF-style: chr6-79711851-G-T.
Identifiers: ClinVar variation 4884934 (VCV004884934.2).
Genomic context (GRCh38, chr6:79,002,134, plus strand): 5'-ATCACGAATAAGTGGCCGATAATCACTATGAAAGAACATCTGATCTGCTATCTGCAAAAA[G>T]AAAAGTCCATAAAAGACTGGAAAAATAAAAATGTATCATTGTAGAAAAAAAGTCTACATC-3'